The following is an entry in ClinVar:

NM_004994.3(MMP9):c.1174+7G>A

Gene: MMP9 (matrix metallopeptidase 9; plus strand). Cytogenetic location: 20q13.12.
Variant type: single nucleotide variant.
Coding change: c.1174+7G>A on transcript NM_004994.3 (MANE Select); 7 bases into the intron after coding-DNA position 1174, G replaced by A.
Molecular consequence: intron variant.
Genome position (GRCh38, 1-based): chr20:46,012,320, G>A. VCF-style: chr20-46012320-G-A. GRCh37 (hg19) VCF-style: chr20-44640959-G-A.
Identifiers: ClinVar variation 338554 (VCV000338554.18), dbSNP rs3918256, ClinGen allele CA9886637.

ClinVar aggregate classification (germline): Benign. Review status: criteria provided, multiple submitters, no conflicts (2 of 4 stars). 5 submissions from 5 submitters: Benign (5). Last evaluated 2026-02-04.

Conditions:
Metaphyseal anadysplasia 2 (MANDP2). Also called: Metaphyseal anadysplasia 2, autosomal recessive. Identifiers: Orphanet 1040, MedGen C2751322, MONDO:0013113, OMIM 613073.

Allele frequency attached by ClinVar (database versions not stated): 1000 Genomes Project 0.26058; 1000 Genomes Project 30x 0.26562; TOPMed 0.41275; gnomAD exomes 0.42774 and 0.52593; gnomAD 0.42986 and 0.43823; ExAC 0.43608; ESP Exome Variant Server 0.47147.
gnomAD v4.1: 831,991 of 1,612,638 alleles (52%); highest among the groups gnomAD compares: Non-Finnish European, 58%; 229,962 homozygotes.

Submissions (5):

Labcorp Genetics (formerly Invitae), Labcorp
Classification: Benign. Last evaluated: 2026-02-04. Review status: criteria provided, single submitter. Criteria: Invitae Variant Classification Sherloc (09022015). Collection method: clinical testing. Allele origin: germline.

Genome-Nilou Lab
Classification: Benign for Metaphyseal anadysplasia 2. Last evaluated: 2021-09-05. Review status: criteria provided, single submitter. Criteria: ACMG Guidelines, 2015. Collection method: clinical testing. Allele origin: germline. Affected: no.

GeneDx
Classification: Benign. Last evaluated: 2019-04-12. Review status: criteria provided, single submitter. Criteria: GeneDx Variant Classification Process June 2021. Collection method: clinical testing. Allele origin: germline. Affected: yes.

Illumina Laboratory Services, Illumina
Classification: Benign for Metaphyseal anadysplasia 2. Last evaluated: 2018-01-13. Review status: criteria provided, single submitter. Criteria: ICSL Variant Classification Criteria 13 December 2019. Collection method: clinical testing. Allele origin: germline.
Comment: This variant was observed in the ICSL laboratory as part of a predisposition screen in an ostensibly healthy population. It had not been previously curated by ICSL or reported in the Human Gene Mutation Database (HGMD: prior to June 1st, 2018), and was therefore a candidate for classification through an automated scoring system. Utilizing variant allele frequency, disease prevalence and penetrance estimates, and inheritance mode, an automated score was calculated to assess if this variant is too frequent to cause the disease. Based on the score and internal cut-off values, a variant classified as benign is not then subjected to further curation. The score for this variant resulted in a classification of benign for this disease.

Breakthrough Genomics
Classification: Benign. Review status: criteria provided, single submitter. Criteria: ACMG Guidelines, 2015. Collection method: not provided. Allele origin: germline. Inheritance: Autosomal recessive inheritance. Affected: yes.